The following is an entry in ClinVar:

NM_017841.4(SDHAF2):c.28del (p.Ser10fs)

Gene: SDHAF2 (succinate dehydrogenase complex assembly factor 2; plus strand). Cytogenetic location: 11q12.2.
Variant type: Deletion.
Coding change: c.28del on transcript NM_017841.4 (MANE Select); coding-DNA position 28, one base deleted (T; older notation c.28delT).
Protein change: p.Ser10fs; shifts the reading frame from serine 10.
Molecular consequence: frameshift variant.
Genome position (GRCh38, 1-based): chr11:61,430,174, T deleted; the last of 2 consecutive T bases (chr11:61,430,173-61,430,174); deleting either gives the same sequence. VCF-style (leftmost placement, unchanged base first): chr11-61430172-CT-C. GRCh37 (hg19) VCF-style: chr11-61197644-CT-C.
Other names: c.28delT (NM_017841.2); short protein forms S10fs.
Identifiers: ClinVar variation 1451844 (VCV001451844.10), dbSNP rs1861838658, ClinGen allele CA1977290242.

ClinVar aggregate classification (germline): Conflicting classifications of pathogenicity. Review status: criteria provided, conflicting classifications (1 of 4 stars). 4 submissions from 4 submitters: Pathogenic (1); Likely pathogenic (2); Uncertain significance (1). Last evaluated 2023-08-15.

Conditions:
Hereditary cancer-predisposing syndrome. Also called: Tumor predisposition; Hereditary Cancer Syndrome; Hereditary neoplastic syndrome; Neoplastic Syndromes, Hereditary. Identifiers: Orphanet 140162, MedGen C0027672, MeSH D009386, MONDO:0015356.
Hereditary pheochromocytoma and paraganglioma. Also called: Hereditary paragangliomas and pheochromocytomas; Hereditary Paraganglioma-Pheochromocytoma Syndromes; Hereditary pheochromocytoma-paraganglioma. Identifiers: Orphanet 29072, MedGen C4274332, MONDO:0017366.

Submissions (4):

All of Us Research Program, National Institutes of Health
Classification: Likely pathogenic for Hereditary pheochromocytoma and paraganglioma. Last evaluated: 2023-08-15. Review status: criteria provided, single submitter. Criteria: ACMG Guidelines, 2015. Collection method: clinical testing. Allele origin: germline. Inheritance: Autosomal dominant inheritance. Observed: 1 variant allele, 1 heterozygote.
Comment: This variant deletes 1 nucleotide in exon 1 of the SDHAF2 gene, creating a frameshift and premature translation stop signal. This variant is expected to result in an absent or non-functional protein product by either nonsense mediated decay or by disrupting the signal presequence required for import into mitochondria. Translation of the frameshift extension is expected to bypass the in-frame methionine at codon 13 making re-initiation from this initiator codon unlikely, and re-initiation further downstream at the methionine at codon 47 would create a protein without the mitochondrial import signal. To our knowledge, this variant has not been reported in individuals affected with SDHAF2-related disorders in the literature. This variant has not been identified in the general population by the Genome Aggregation Database (gnomAD). Based on the available evidence, this variant is classified as Likely Pathogenic.

This study involves interpretation of variants in research participants for the purpose of population health screening. Participant phenotype was not available at the time of variant classification. Additional details can be found in publication PMID: 35346344, PMCID: PMC8962531

Color Diagnostics, LLC DBA Color Health
Classification: Likely pathogenic for Hereditary pheochromocytoma and paraganglioma. Last evaluated: 2023-06-30. Review status: criteria provided, single submitter. Criteria: ACMG Guidelines, 2015. Collection method: clinical testing. Allele origin: germline.
Comment: This variant deletes 1 nucleotide in exon 1 of the SDHAF2 gene, creating a frameshift and premature translation stop signal. This variant is expected to result in an absent or non-functional protein product by either nonsense mediated decay or by disrupting the signal presequence required for import into mitochondria. Translation of the frameshift extension is expected to bypass the in-frame methionine at codon 13 making re-initiation from this initiator codon unlikely, and re-initiation further downstream at the methionine at codon 47 would create a protein without the mitochondrial import signal. To our knowledge, this variant has not been reported in individuals affected with SDHAF2-related disorders in the literature. This variant has not been identified in the general population by the Genome Aggregation Database (gnomAD). Based on the available evidence, this variant is classified as Likely Pathogenic.

Ambry Genetics
Classification: Uncertain significance for Hereditary cancer-predisposing syndrome. Last evaluated: 2023-04-24. Review status: criteria provided, single submitter. Criteria: Ambry Variant Classification Scheme 2023. Collection method: clinical testing. Allele origin: germline.
Comment: The c.28delT variant, located in coding exon 1 of the SDHAF2 gene, results from a deletion of one nucleotide at nucleotide position 28, causing a translational frameshift with a predicted alternate stop codon (p.S10Rfs*3). The predicted stop codon occurs in the 5&rsquo; end of theSDHAF2 gene. Premature termination codons in the 5&rsquo; end of a gene have been reported to escape nonsense-mediated mRNAdecay and/or lead to re-initiation (Rivas et al. Science. 2015 May 8;348(6235):666-9; Lindeboom et al. Nat Genet. 2016 Oct;48(10):1112-8; Rhee et al. Sci Rep. 2017 May 10;7(1):1653). The exact functional effect of this alteration is unknown. Since supporting evidence is limited at this time, the clinical significance of this alteration remains unclear.

Labcorp Genetics (formerly Invitae), Labcorp
Classification: Pathogenic for Hereditary pheochromocytoma and paraganglioma. Last evaluated: 2022-08-14. Review status: criteria provided, single submitter. Criteria: Invitae Variant Classification Sherloc (09022015). Collection method: clinical testing. Allele origin: germline.
Comment: This variant has not been reported in the literature in individuals affected with SDHAF2-related conditions. This variant is not present in population databases (gnomAD no frequency). This sequence change creates a premature translational stop signal (p.Ser10Argfs*3) in the SDHAF2 gene. It is expected to result in an absent or disrupted protein product. Loss-of-function variants in SDHAF2 are known to be pathogenic (PMID: 22241717, 26096992). ClinVar contains an entry for this variant (Variation ID: 1451844). For these reasons, this variant has been classified as Pathogenic.

Literature cited by the submitters: PubMed 22241717 (cited by Labcorp Genetics (formerly Invitae), Labcorp); PubMed 26096992 (cited by Labcorp Genetics (formerly Invitae), Labcorp).